The following is an entry in ClinVar:

NM_152281.3(GORAB):c.941C>G (p.Ala314Gly)

Gene: GORAB (golgin, RAB6 interacting; plus strand). Cytogenetic location: 1q24.2.
Variant type: single nucleotide variant.
Coding change: c.941C>G on transcript NM_152281.3 (MANE Select); coding-DNA position 941, C replaced by G.
Protein change: p.Ala314Gly; replaces alanine 314 with glycine.
Molecular consequence: missense variant. On other transcripts: non-coding transcript variant (1).
Genome position (GRCh38, 1-based): chr1:170,552,293, C>G. VCF-style: chr1-170552293-C-G. GRCh37 (hg19) VCF-style: chr1-170521434-C-G.
Other names: c.476C>G, p.Ala159Gly (NM_001320252.2); short protein forms A159G, A314G.
Identifiers: ClinVar variation 1446372 (VCV001446372.6), dbSNP rs187680628, ClinGen allele CA343165194.

ClinVar aggregate classification (germline): Uncertain significance (1 of 4 stars; one submission).

gnomAD v4.1: 1 of 1,614,014 alleles (0.000062%); highest among the groups gnomAD compares: Non-Finnish European, 0.000085%; no homozygotes.

Submission:

Labcorp Genetics (formerly Invitae), Labcorp
Classification: Uncertain significance. Last evaluated: 2023-08-04. Review status: criteria provided, single submitter. Criteria: Invitae Variant Classification Sherloc (09022015). Collection method: clinical testing. Allele origin: germline.
Comment: This variant is not present in population databases (gnomAD no frequency). This sequence change replaces alanine, which is neutral and non-polar, with glycine, which is neutral and non-polar, at codon 339 of the GORAB protein (p.Ala339Gly). This variant has not been reported in the literature in individuals affected with GORAB-related conditions. ClinVar contains an entry for this variant (Variation ID: 1446372). An algorithm developed to predict the effect of missense changes on protein structure and function (PolyPhen-2) suggests that this variant is likely to be tolerated. In summary, the available evidence is currently insufficient to determine the role of this variant in disease. Therefore, it has been classified as a Variant of Uncertain Significance.